The following is an entry in ClinVar:

NM_005045.4(RELN):c.1808T>G (p.Leu603Arg)

Gene: RELN (reelin; minus strand). Cytogenetic location: 7q22.1.
Variant type: single nucleotide variant.
Coding change: c.1808T>G on transcript NM_005045.4 (MANE Select); coding-DNA position 1808, T replaced by G.
Protein change: p.Leu603Arg; replaces leucine 603 with arginine.
Molecular consequence: missense variant.
Genome position (GRCh38, 1-based): chr7:103,651,745, A>C on the plus strand (T>G on the coding strand, the complement: RELN is on the minus strand). VCF-style: chr7-103651745-A-C. GRCh37 (hg19) VCF-style: chr7-103292192-A-C.
Other names: c.1808T>G, p.Leu603Arg (NM_173054.3); short protein forms L603R.
Identifiers: ClinVar variation 1363419 (VCV001363419.8), dbSNP rs2117389224, ClinGen allele CA368764441.

ClinVar aggregate classification (germline): Uncertain significance (1 of 4 stars; one submission).

Conditions:
Norman-Roberts syndrome (LIS2). Also called: Lissencephaly 2 (Norman-Roberts type). Identifiers: Orphanet 89844, MedGen C0796089, MONDO:0009760, OMIM 257320.
Familial temporal lobe epilepsy 7. Identifiers: Orphanet 101046, MedGen C4225327, MONDO:0014639, OMIM 616436.

Submission:

Labcorp Genetics (formerly Invitae), Labcorp
Classification: Uncertain significance for Familial temporal lobe epilepsy 7; Norman-Roberts syndrome. Last evaluated: 2024-10-21. Review status: criteria provided, single submitter. Criteria: Invitae Variant Classification Sherloc (09022015). Collection method: clinical testing. Allele origin: germline.
Comment: This sequence change replaces leucine, which is neutral and non-polar, with arginine, which is basic and polar, at codon 603 of the RELN protein (p.Leu603Arg). This variant is not present in population databases (gnomAD no frequency). This variant has not been reported in the literature in individuals affected with RELN-related conditions. ClinVar contains an entry for this variant (Variation ID: 1363419). Invitae Evidence Modeling of protein sequence and biophysical properties (such as structural, functional, and spatial information, amino acid conservation, physicochemical variation, residue mobility, and thermodynamic stability) has been performed for this missense variant. However, the output from this modeling did not meet the statistical confidence thresholds required to predict the impact of this variant on RELN protein function. In summary, the available evidence is currently insufficient to determine the role of this variant in disease. Therefore, it has been classified as a Variant of Uncertain Significance.